The following is an entry in ClinVar:

ClinVar aggregate classification (germline): Conflicting classifications of pathogenicity. Review status: criteria provided, conflicting classifications (1 of 4 stars). 3 submissions from 3 submitters: Uncertain significance (2); Likely benign (1). Last evaluated 2025-08-28.

Conditions:
Hereditary pancreatitis (PCTT). Also called: Hereditary chronic pancreatitis; PRSS1-Related Hereditary Pancreatitis. Identifiers: Orphanet 676, MedGen C0238339, MONDO:0008185, OMIM 167800.

Allele frequency attached by ClinVar (database versions not stated): gnomAD 0.00001 and 0.00002; ExAC 0.00002; TOPMed 0.00003; gnomAD exomes 0.00004.
gnomAD v4.1: 45 of 1,603,594 alleles (0.0028%); highest among the groups gnomAD compares: Middle Eastern, 0.019%; no homozygotes.

Submissions (3):

Labcorp Genetics (formerly Invitae), Labcorp
Classification: Uncertain significance for Hereditary pancreatitis. Last evaluated: 2025-08-28. Review status: criteria provided, single submitter. Criteria: Invitae Variant Classification Sherloc (09022015). Collection method: clinical testing. Allele origin: germline.
Comment: This sequence change replaces alanine, which is neutral and non-polar, with threonine, which is neutral and polar, at codon 28 of the CTRC protein (p.Ala28Thr). This variant is present in population databases (rs768414501, gnomAD 0.02%). This missense change has been observed in individual(s) with acute recurrent or chronic pancreatitis (PMID: 26599151, 27409067). ClinVar contains an entry for this variant (Variation ID: 292907). Invitae Evidence Modeling of protein sequence and biophysical properties (such as structural, functional, and spatial information, amino acid conservation, physicochemical variation, residue mobility, and thermodynamic stability) indicates that this missense variant is not expected to disrupt CTRC protein function with a negative predictive value of 95%. In summary, the available evidence is currently insufficient to determine the role of this variant in disease. Therefore, it has been classified as a Variant of Uncertain Significance.

Ambry Genetics
Classification: Likely benign for Hereditary pancreatitis. Last evaluated: 2023-12-08. Review status: criteria provided, single submitter. Criteria: Ambry Variant Classification Scheme 2023. Collection method: clinical testing. Allele origin: germline.

Illumina Laboratory Services, Illumina
Classification: Uncertain significance for Hereditary pancreatitis. Last evaluated: 2018-01-13. Review status: criteria provided, single submitter. Criteria: ICSL Variant Classification Criteria 13 December 2019. Collection method: clinical testing. Allele origin: germline.

Literature cited by the submitters: PubMed 26599151 (cited by Labcorp Genetics (formerly Invitae), Labcorp); PubMed 27409067 (cited by Labcorp Genetics (formerly Invitae), Labcorp and Ambry Genetics).

NM_007272.3(CTRC):c.82G>A (p.Ala28Thr)

Gene: CTRC (chymotrypsin C; plus strand). Cytogenetic location: 1p36.21.
Variant type: single nucleotide variant.
Coding change: c.82G>A on transcript NM_007272.3 (MANE Select); coding-DNA position 82, G replaced by A.
Protein change: p.Ala28Thr; replaces alanine 28 with threonine.
Molecular consequence: missense variant.
Genome position (GRCh38, 1-based): chr1:15,440,341, G>A. VCF-style: chr1-15440341-G-A. GRCh37 (hg19) VCF-style: chr1-15766837-G-A.
Other names: short protein forms A28T.
Identifiers: ClinVar variation 292907 (VCV000292907.16), dbSNP rs768414501, ClinGen allele CA613211.